The following is an entry in ClinVar:

ClinVar aggregate classification (germline): Likely benign. Review status: criteria provided, multiple submitters, no conflicts (2 of 4 stars). 3 submissions from 3 submitters: Likely benign (2). 1 of the submissions does not count toward it. Last evaluated 2025-12-26.

Conditions:
Pancreatic adenocarcinoma. Identifiers: MedGen C0281361, MONDO:0006047, HP:0006725.
PALLD-related disorder. Also called: PALLD-related condition.

Allele frequency attached by ClinVar (database versions not stated): gnomAD exomes 0.00003 and 0.00018; TOPMed 0.00006; gnomAD 0.00007 and 0.00009; 1000 Genomes Project 0.00020; 1000 Genomes Project 30x 0.00031.
gnomAD v4.1: 260 of 1,518,730 alleles (0.017%); highest among the groups gnomAD compares: East Asian, 0.37%; 2 homozygotes.

Submissions (3):

Labcorp Genetics (formerly Invitae), Labcorp
Classification: Likely benign for Pancreatic adenocarcinoma. Last evaluated: 2025-12-26. Review status: criteria provided, single submitter. Criteria: Invitae Variant Classification Sherloc (09022015). Collection method: clinical testing. Allele origin: germline.

Ambry Genetics
Classification: Likely benign. Last evaluated: 2024-11-22. Review status: criteria provided, single submitter. Criteria: Ambry Variant Classification Scheme 2023. Collection method: clinical testing. Allele origin: germline.

PreventionGenetics, part of Exact Sciences
Classification: Likely benign for PALLD-related condition. Last evaluated: 2021-12-17. Review status: no assertion criteria provided. Collection method: clinical testing. Allele origin: germline. Not counted in ClinVar's aggregate classification.
Comment: This variant is classified as likely benign based on ACMG/AMP sequence variant interpretation guidelines (Richards et al. 2015 PMID: 25741868, with internal and published modifications).

NM_001166108.2(PALLD):c.1965-12569G>A

Gene: PALLD (palladin, cytoskeletal associated protein; plus strand). Cytogenetic location: 4q32.3.
Variant type: single nucleotide variant.
Coding change: c.1965-12569G>A on transcript NM_001166108.2 (MANE Select); 12569 bases into the intron before coding-DNA position 1965, G replaced by A.
Molecular consequence: intron variant. On other transcripts: synonymous variant (1).
Genome position (GRCh38, 1-based): chr4:168,878,353, G>A. VCF-style: chr4-168878353-G-A. GRCh37 (hg19) VCF-style: chr4-169799504-G-A.
Other names: c.462G>A, p.Ala154= (NM_001166110.2); c.1965-12569G>A (NM_016081.4); c.819-12569G>A (NM_001166109.2); c.-157-12569G>A (NM_001367570.1, NM_001367568.1, NM_001367567.1 and 1 more transcripts).
Identifiers: ClinVar variation 476389 (VCV000476389.15), dbSNP rs568490721, ClinGen allele CA110515952.